The following continues an entry in ClinVar:

NM_000051.4(ATM):c.8734A>G (p.Arg2912Gly)

ClinVar aggregate classification (germline): Uncertain significance. Uncertain significance (1).

Submissions 21 to 34 of 35:

CHEO Genetics Diagnostic Laboratory, Children's Hospital of Eastern Ontario
Classification: Uncertain significance for Breast and/or ovarian cancer. Last evaluated: 2023-03-27. Review status: criteria provided, single submitter. Criteria: ACMG Guidelines, 2015. Collection method: clinical testing. Allele origin: germline. Not counted in ClinVar's aggregate classification.

MGZ Medical Genetics Center
Classification: Uncertain significance for Familial cancer of breast. Last evaluated: 2022-07-29. Review status: criteria provided, single submitter. Criteria: ACMG Guidelines, 2015. Collection method: clinical testing. Allele origin: germline. Affected: yes. Observed: 1 variant allele. Not counted in ClinVar's aggregate classification.
Comment: ACMG criteria applied: PS3_SUP, PS4_SUP, PM2_SUP

Ambry Genetics
Classification: Likely benign for Hereditary cancer-predisposing syndrome. Last evaluated: 2022-06-21. Review status: criteria provided, single submitter. Criteria: Ambry Variant Classification Scheme 2023. Collection method: clinical testing. Allele origin: germline. Not counted in ClinVar's aggregate classification.

Institute for Clinical Genetics, University Hospital TU Dresden, University Hospital TU Dresden
Classification: Uncertain significance. Last evaluated: 2021-11-03. Review status: criteria provided, single submitter. Criteria: ACMG Guidelines, 2015. Collection method: clinical testing. Allele origin: germline. Not counted in ClinVar's aggregate classification.

Sema4
Classification: Uncertain significance for Hereditary cancer-predisposing syndrome. Last evaluated: 2021-10-06. Review status: criteria provided, single submitter. Criteria: Sema4 Curation Guidelines. Collection method: curation. Allele origin: germline. Not counted in ClinVar's aggregate classification.
Comment: The ATM c.8734A>G (p.R2912G) variant has been reported in heterozygosity in numerous individuals with breast cancer (PMID: 11505391, 12673797, 12810666, 19781682, 25452441, 21787400, 17166884, 28828701). It has also been reported individuals with pancreatic cancer, prostate cancer, colon cancer, endometrial cancer, and healthy populations (PMID: 29945567, 32183364, 30814645, 27443514, 24728327, FLOSSIES Database). In a breast cancer case-control analysis, the variant was seen at similar frequencies in cases and controls (PMID: 33471991 - 39/60466 cases and 30/53461 controls). This variant was identified in three families, however complete segregation of the variant with the phenotype was not observed (PMID: 17166884, 21787400). The variant was shown to co-occur with a frameshift variant in two families although segregation analysis was not available (PMID: 12810666, 28828701). In vitro studies showed that this variant does not affect protein stability, but partially affects the kinase activity of the ATM protein (PMID: 17166884). This variant is suggested to be a founder variant in the Finnish population (PMID: 17166884). This variant was observed in 50/129162 chromosomes in the European non-Finnish population, including one homozygote, according to the Genome Aggregation Database (PMID: 32461654). The variant has been reported in ClinVar (Variation ID: 133641). In silico tools suggest the impact of the variant on protein function is deleterious. The evidence is insufficient to meet ACMG/AMP criteria for classifying the variant as benign or pathogenic. Thus, the clinical significance of this variant is currently uncertain.

Genetic Services Laboratory, University of Chicago
Classification: Uncertain significance. Last evaluated: 2020-09-10. Review status: criteria provided, single submitter. Criteria: ACMG Guidelines, 2015. Collection method: clinical testing. Allele origin: germline. Affected: no. Not counted in ClinVar's aggregate classification.
Comment: DNA sequence analysis of the ATM gene demonstrated a sequence change, c.8734A>G, in exon 60 that results in an amino acid change, p.Arg2912Gly. This sequence change has been described in the gnomAD database with a frequency of 0.039% in the European sub-population (dbSNP rs376676328). The p.Arg2912Gly change has been reported in an individual with endometrial cancer (PMID: 27443514), an individual with prostate cancer (PMID: 29945567), and families with breast cancer (PMID: 11505391, 12810666, 17166884). However, the p.Arg2912Gly change has also been observed in a family with a pathogenic BRCA1 variant (PMID: 12810666) and has shown incomplete segregation with the cancer phenotype in two breast cancer kindreds (PMID: 17166884). An in vitro functional study demonstrated that the p.Arg2912Gly change does not impact protein stability, but partially impacts ATM kinase activity (PMID: 17166884). The p.Arg2912Gly change affects a highly conserved amino acid residue located in a domain of the ATM protein that is known to be functional. The p.Arg2912Gly substitution appears to be deleterious using several in-silico pathogenicity prediction tools (SIFT, PolyPhen2, Align GVGD, REVEL). Due to these contrasting evidences, the clinical significance of the p.Arg2912Gly change remains unknown at this time.

Spanish ATM Cancer Susceptibility Variant Interpretation Working Group
Classification: Uncertain significance for Hereditary cancer-predisposing syndrome. Last evaluated: 2020-06-17. Review status: criteria provided, single submitter. Criteria: Feliubadaló L et al. (Clin Chem 2021). Collection method: clinical testing. Allele origin: germline. Affected: yes. Observed: 1 variant allele, 3 heterozygotes. Clinical features observed: Ovarian cancer, Brain astrocytoma, Breast carcinoma, Ovarian serous tumor. Not counted in ClinVar's aggregate classification.
Comment: The c.8734A>G (p. Arg2912Gly) variant has an allele frequency of 0.00020 (0.02%, 54/268,310 alleles) in the gnomAD v2.1.1 non-cancer dataset, with a maximal frequency of 0.00039 (0.04%, 46/118,146 alleles) in the European (non-Finnish) subpopulation (no population frequency criterion met). This missense variant is not predicted to lead to a splicing alteration as per SPiCE predictor and no splicing site is created/activated according to at least 3 splicing predictors of the set SpliceSiteFinderlike - MaxEntScan - NNSplice – GeneSplicer, but it alters the protein function / structure on the in-silico prediction reports of REVEL and PROVEAN (PP3). It is located in the PI3K domain, whose important role is highlighted by the fact that no missense variants with a minor allele frequency greater than 0.05% have been described in it (PM1_Supporting). There is no other supporting data that meet criteria for consideration. Therefore, the clinical significance of this variant is uncertain. Adapted ACMG/AMP rules applied as defined by the Spanish ATM working group: PP3 + PM1_Supporting (PMID: 33280026).

Centre for Mendelian Genomics, University Medical Centre Ljubljana
Classification: Uncertain significance for Familial cancer of breast. Last evaluated: 2019-12-12. Review status: criteria provided, single submitter. Criteria: ACMG Guidelines, 2015. Collection method: clinical testing. Allele origin: unknown. Affected: yes. Not counted in ClinVar's aggregate classification.
Comment: This variant was classified as: Uncertain significance. The available evidence on this variant's pathogenicity is insufficient or conflicting. The following ACMG criteria were applied in classifying this variant: PP3.

Mendelics
Classification: Uncertain significance for Ataxia-telangiectasia syndrome. Last evaluated: 2019-05-28. Review status: criteria provided, single submitter. Criteria: Mendelics Assertion Criteria 2017. Collection method: clinical testing. Allele origin: unknown. Not counted in ClinVar's aggregate classification.

Athena Diagnostics
Classification: Uncertain significance. Last evaluated: 2018-12-31. Review status: criteria provided, single submitter. Criteria: Athena Diagnostics Criteria. Collection method: clinical testing. Allele origin: germline. Not counted in ClinVar's aggregate classification.

GeneKor MSA
Classification: Uncertain significance for Hereditary cancer-predisposing syndrome. Last evaluated: 2018-08-01. Review status: criteria provided, single submitter. Criteria: ACMG Guidelines, 2015. Collection method: clinical testing. Allele origin: germline. Affected: yes. Not counted in ClinVar's aggregate classification.

Illumina Laboratory Services, Illumina
Classification: Uncertain significance for Ataxia-telangiectasia syndrome. Last evaluated: 2017-04-27. Review status: criteria provided, single submitter. Criteria: ICSL Variant Classification Criteria 13 December 2019. Collection method: clinical testing. Allele origin: germline. Not counted in ClinVar's aggregate classification.
Comment: This variant was observed as part of a predisposition screen in an ostensibly healthy population. A literature search was performed for the gene, cDNA change, and amino acid change (where applicable). Publications were found based on this search. However, the evidence from the literature, in combination with allele frequency data from public databases where available, was not sufficient to rule this variant in or out of causing disease. Therefore, this variant is classified as a variant of unknown significance.

Natera, Inc.
Classification: Uncertain significance for Ataxia-telangiectasia. Last evaluated: 2020-09-16. Review status: no assertion criteria provided. Collection method: clinical testing. Allele origin: germline. Not counted in ClinVar's aggregate classification.

ITMI
No classification provided. Condition: AllHighlyPenetrant. Last evaluated: 2013-09-19. Review status: no classification provided. Collection method: reference population. Allele origin: germline. Not counted in ClinVar's aggregate classification.
Comment: Please see associated publication for description of ethnicities